The following is an entry in ClinVar:

NM_002907.4(RECQL):c.233A>G (p.Lys78Arg)

Gene: RECQL (RecQ like helicase; minus strand). Cytogenetic location: 12p12.1.
Variant type: single nucleotide variant.
Coding change: c.233A>G on transcript NM_002907.4 (MANE Select); coding-DNA position 233, A replaced by G.
Protein change: p.Lys78Arg; replaces lysine 78 with arginine.
Molecular consequence: missense variant.
Genome position (GRCh38, 1-based): chr12:21,490,360, T>C on the plus strand (A>G on the coding strand, the complement: RECQL is on the minus strand). VCF-style: chr12-21490360-T-C. GRCh37 (hg19) VCF-style: chr12-21643294-T-C.
Other names: c.233A>G, p.Lys78Arg (NM_032941.3); short protein forms K78R.
Identifiers: ClinVar variation 1789828 (VCV001789828.3), dbSNP rs1314091837, ClinGen allele CA384133559.

ClinVar aggregate classification (germline): Uncertain significance (1 of 4 stars; one submission).

gnomAD v4.1: 1 of 1,609,898 alleles (0.000062%); no homozygotes.

Submission:

Ambry Genetics
Classification: Uncertain significance. Last evaluated: 2024-09-23. Review status: criteria provided, single submitter. Criteria: Ambry Variant Classification Scheme 2023. Collection method: clinical testing. Allele origin: germline.
Comment: The p.K78R variant (also known as c.233A>G), located in coding exon 3 of the RECQL gene, results from an A to G substitution at nucleotide position 233. The lysine at codon 78 is replaced by arginine, an amino acid with highly similar properties. This amino acid position is conserved. In addition, this alteration is predicted to be tolerated by in silico analysis. Since supporting evidence is limited at this time, the clinical significance of this alteration remains unclear.